The following is an entry in ClinVar:

NM_019066.5(MAGEL2):c.1635C>T (p.Ala545=)

Gene: MAGEL2 (MAGE family member L2; minus strand). Cytogenetic location: 15q11.2.
Variant type: single nucleotide variant.
Coding change: c.1635C>T on transcript NM_019066.5 (MANE Select); coding-DNA position 1635, C replaced by T.
Protein change: p.Ala545=; no amino-acid change (alanine 545 retained).
Molecular consequence: synonymous variant.
Genome position (GRCh38, 1-based): chr15:23,646,108, G>A on the plus strand (C>T on the coding strand, the complement: MAGEL2 is on the minus strand). VCF-style: chr15-23646108-G-A. GRCh37 (hg19) VCF-style: chr15-23891255-G-A.
Identifiers: ClinVar variation 3722224 (VCV003722224.2).

ClinVar aggregate classification (germline): Uncertain significance (1 of 4 stars; one submission).

Submission:

Labcorp Genetics (formerly Invitae), Labcorp
Classification: Uncertain significance. Last evaluated: 2024-10-04. Review status: criteria provided, single submitter. Criteria: Invitae Variant Classification Sherloc (09022015). Collection method: clinical testing. Allele origin: germline.
Comment: This sequence change affects codon 545 of the MAGEL2 mRNA. It is a 'silent' change, meaning that it does not change the encoded amino acid sequence of the MAGEL2 protein. This variant is not present in population databases (gnomAD no frequency). This variant has not been reported in the literature in individuals affected with MAGEL2-related conditions. In summary, the available evidence is currently insufficient to determine the role of this variant in disease. Therefore, it has been classified as a Variant of Uncertain Significance.